The following is an entry in ClinVar:

ClinVar aggregate classification (germline): Uncertain significance (1 of 4 stars; one submission).

Conditions:
Inborn genetic diseases. Identifiers: MedGen C0950123, MeSH D030342.

Submission:

Ambry Genetics
Classification: Uncertain significance for Inborn genetic diseases. Last evaluated: 2026-09-09. Review status: criteria provided, single submitter. Criteria: Ambry Variant Classification Scheme 2023. Collection method: clinical testing. Allele origin: germline.
Comment: The p.D653A variant (also known as c.1958A>C), located in coding exon 22 of the RTEL1 gene, results from an A to C substitution at nucleotide position 1958. The aspartic acid at codon 653 is replaced by alanine, an amino acid with dissimilar properties. This amino acid position is conserved. In addition, this alteration is predicted to be deleterious by in silico analysis. Based on the available evidence, the clinical significance of this variant remains unclear.

NM_001283009.2(RTEL1):c.1958A>C (p.Asp653Ala)

Genes: RTEL1 (regulator of telomere elongation helicase 1; plus strand), RTEL1-TNFRSF6B (RTEL1-TNFRSF6B readthrough (NMD candidate); plus strand). Cytogenetic location: 20q13.33.
Variant type: single nucleotide variant.
Coding change: c.1958A>C on transcript NM_001283009.2 (MANE Select); coding-DNA position 1958, A replaced by C.
Protein change: p.Asp653Ala; replaces aspartic acid 653 with alanine.
Molecular consequence: missense variant. On other transcripts: non-coding transcript variant (1).
Genome position (GRCh38, 1-based): chr20:63,689,581, A>C. VCF-style: chr20-63689581-A-C. GRCh37 (hg19) VCF-style: chr20-62320934-A-C.
Other names: c.1289A>C, p.Asp430Ala (NM_001283010.1); c.1958A>C, p.Asp653Ala (NM_016434.4); c.2030A>C, p.Asp677Ala (NM_032957.5); short protein forms D677A, D430A, D653A.
Identifiers: ClinVar variation 5028542 (VCV005028542.1).
Genomic context (GRCh38, chr20:63,689,581, plus strand): 5'-TCTCAGACACGAATGGCCGTGGTGTGATTGTCACGGGCCTCCCGTACCCCCCACGCATGG[A>C]CCCCCGGGTTGTCCTCAAGATGCAGTTCCTGGATGAGATGAAGGGCCAGGGTGGGGCTGG-3'
Protein context (NP_001269938.1, residues 643-663): VTGLPYPPRM[Asp653Ala]PRVVLKMQFL